The following is an entry in ClinVar:

ClinVar aggregate classification (germline): Uncertain significance (1 of 4 stars; one submission).

Conditions:
Cardiovascular phenotype. Identifiers: MedGen CN230736.

Submission:

Ambry Genetics
Classification: Uncertain significance for Cardiovascular phenotype. Last evaluated: 2021-07-01. Review status: criteria provided, single submitter. Criteria: Ambry Variant Classification Scheme 2023. Collection method: clinical testing. Allele origin: germline.
Comment: The p.P1396L variant (also known as c.4187C>T), located in coding exon 29 of the ABCA1 gene, results from a C to T substitution at nucleotide position 4187. The proline at codon 1396 is replaced by leucine, an amino acid with similar properties. This amino acid position is conserved. In addition, this alteration is predicted to be deleterious by in silico analysis. Since supporting evidence is limited at this time, the clinical significance of this alteration remains unclear.

NM_005502.4(ABCA1):c.4187C>T (p.Pro1396Leu)

Gene: ABCA1 (ATP binding cassette subfamily A member 1; minus strand). Cytogenetic location: 9q31.1.
Variant type: single nucleotide variant.
Coding change: c.4187C>T on transcript NM_005502.4 (MANE Select); coding-DNA position 4187, C replaced by T.
Protein change: p.Pro1396Leu; replaces proline 1396 with leucine.
Molecular consequence: missense variant.
Genome position (GRCh38, 1-based): chr9:104,809,553, G>A on the plus strand (C>T on the coding strand, the complement: ABCA1 is on the minus strand). VCF-style: chr9-104809553-G-A. GRCh37 (hg19) VCF-style: chr9-107571834-G-A.
Other names: short protein forms P1396L.
Identifiers: ClinVar variation 1738537 (VCV001738537.2), dbSNP rs2538103495, ClinGen allele CA374316513.